The following is an entry in ClinVar:

ClinVar aggregate classification (germline): Likely benign (0 of 4 stars; one submission).

Conditions:
XPR1-related disorder. Also called: XPR1-related condition.

Allele frequency attached by ClinVar (database versions not stated): gnomAD 0.00001; gnomAD exomes 0.00001; TOPMed 0.00001; ExAC 0.00002.
gnomAD v4.1: 19 of 1,614,016 alleles (0.0012%); highest among the groups gnomAD compares: East Asian, 0.024%; no homozygotes.

Submission:

PreventionGenetics, part of Exact Sciences
Classification: Likely benign for XPR1-related condition. Last evaluated: 2019-03-25. Review status: no assertion criteria provided. Collection method: clinical testing. Allele origin: germline.
Comment: This variant is classified as likely benign based on ACMG/AMP sequence variant interpretation guidelines (Richards et al. 2015 PMID: 25741868, with internal and published modifications).

NM_004736.4(XPR1):c.2030+4T>C

Gene: XPR1 (xenotropic and polytropic retrovirus receptor 1; plus strand). Cytogenetic location: 1q25.3.
Variant type: single nucleotide variant.
Coding change: c.2030+4T>C on transcript NM_004736.4 (MANE Select); 4 bases into the intron after coding-DNA position 2030, T replaced by C.
Molecular consequence: intron variant.
Genome position (GRCh38, 1-based): chr1:180,880,301, T>C. VCF-style: chr1-180880301-T-C. GRCh37 (hg19) VCF-style: chr1-180849437-T-C.
Other names: c.1835+4T>C (NM_001135669.2).
Identifiers: ClinVar variation 3040881 (VCV003040881.2), dbSNP rs781372172, ClinGen allele CA1272889.